The following is an entry in ClinVar:

ClinVar aggregate classification (germline): Conflicting classifications of pathogenicity. Review status: criteria provided, conflicting classifications (1 of 4 stars). 9 submissions from 9 submitters: Uncertain significance (2); Benign (1); Likely benign (5). 1 of the submissions does not count toward it. Last evaluated 2026-02-04.

Conditions:
Glycogen storage disease type III (GSD3). Also called: Cori disease; FORBES DISEASE. Identifiers: Orphanet 366, MedGen C0017922, MONDO:0009291, OMIM 232400.

Allele frequency attached by ClinVar (database versions not stated): 1000 Genomes Project 30x 0.00047; gnomAD 0.00143; ESP Exome Variant Server 0.00146; TOPMed 0.00154.
gnomAD v4.1: 3,499 of 1,613,880 alleles (0.22%); highest among the groups gnomAD compares: Non-Finnish European, 0.27%; 6 homozygotes.

Submissions (9):

Labcorp Genetics (formerly Invitae), Labcorp
Classification: Benign for Glycogen storage disease type III. Last evaluated: 2026-02-04. Review status: criteria provided, single submitter. Criteria: Invitae Variant Classification Sherloc (09022015). Collection method: clinical testing. Allele origin: germline.

CeGaT Center for Human Genetics Tuebingen
Classification: Likely benign. Last evaluated: 2025-07-01. Review status: criteria provided, single submitter. Criteria: CeGaT Center For Human Genetics Tuebingen Variant Classification Criteria Version 2. Collection method: clinical testing. Allele origin: germline. Affected: yes. Observed: 6 variant alleles.
Comment: AGL: BP4, BP7

Blueprint Genetics
Classification: Likely benign. Last evaluated: 2024-11-04. Review status: criteria provided, single submitter. Criteria: ACMG Guidelines, 2015. Collection method: clinical testing. Allele origin: germline.

ARUP Laboratories, Molecular Genetics and Genomics, ARUP Laboratories
Classification: Likely benign. Last evaluated: 2024-02-08. Review status: criteria provided, single submitter. Criteria: ARUP Molecular Germline Variant Investigation Process 2024. Collection method: clinical testing. Allele origin: germline.

Genome-Nilou Lab
Classification: Likely benign for Glycogen storage disease type III. Last evaluated: 2021-07-15. Review status: criteria provided, single submitter. Criteria: ACMG Guidelines, 2015. Collection method: clinical testing. Allele origin: germline. Affected: no.

GeneDx
Classification: Likely benign. Last evaluated: 2020-07-13. Review status: criteria provided, single submitter. Criteria: GeneDx Variant Classification Process June 2021. Collection method: clinical testing. Allele origin: germline. Affected: yes.

Eurofins Ntd Llc (ga)
Classification: Uncertain significance. Last evaluated: 2018-06-27. Review status: criteria provided, single submitter. Criteria: EGL ClinVar v180209 classification definitions. Collection method: clinical testing. Allele origin: germline. Observed: 1 variant allele, 1 heterozygote.

Illumina Laboratory Services, Illumina
Classification: Uncertain significance for Glycogen storage disease type III. Last evaluated: 2018-01-13. Review status: criteria provided, single submitter. Criteria: ICSL Variant Classification Criteria 13 December 2019. Collection method: clinical testing. Allele origin: germline.

Mayo Clinic Laboratories, Mayo Clinic
Classification: Likely benign. Last evaluated: 2018-02-20. Review status: no assertion criteria provided. Collection method: clinical testing. Allele origin: unknown. Not counted in ClinVar's aggregate classification.

NM_000642.3(AGL):c.1875G>T (p.Thr625=)

Gene: AGL (amylo-alpha-1,6-glucosidase and 4-alpha-glucanotransferase; plus strand). Cytogenetic location: 1p21.2.
Variant type: single nucleotide variant.
Coding change: c.1875G>T on transcript NM_000642.3 (MANE Select); coding-DNA position 1875, G replaced by T.
Protein change: p.Thr625=; no amino-acid change (threonine 625 retained).
Molecular consequence: synonymous variant.
Genome position (GRCh38, 1-based): chr1:99,880,771, G>T. VCF-style: chr1-99880771-G-T. GRCh37 (hg19) VCF-style: chr1-100346327-G-T.
Other names: c.1875G>T, p.Thr625= (NM_000028.3, NM_000643.3, NM_000644.3 and 2 more transcripts); c.1827G>T, p.Thr609= (NM_000646.3); c.1674G>T, p.Thr558= (NM_001425327.1); c.1671G>T, p.Thr557= (NM_001425328.1, NM_001425329.1); c.1497G>T, p.Thr499= (NM_001425332.1).
Identifiers: ClinVar variation 382454 (VCV000382454.93), dbSNP rs141944878, ClinGen allele CA966609.